The following is an entry in ClinVar:

NM_007294.4(BRCA1):c.902_903insT (p.Lys301fs)

Gene: BRCA1 (BRCA1 DNA repair associated; minus strand). Cytogenetic location: 17q21.31.
Variant type: Insertion.
Coding change: c.902_903insT on transcript NM_007294.4 (MANE Select); coding-DNA positions 902 to 903, T inserted.
Protein change: p.Lys301fs; shifts the reading frame from lysine 301.
Molecular consequence: frameshift variant. On other transcripts: intron variant (137).
Genome position: GRCh38 VCF-style: chr17-43094628-C-CA. GRCh37 (hg19) VCF-style: chr17-41246645-C-CA.
Other names: 1021insT; c.758_759insT, p.Lys253fs (NM_001407943.1, NM_001407964.1, NM_001407740.1 and 20 more transcripts); c.761_762insT, p.Lys254fs (NM_001407944.1, NM_001407945.1, NM_007297.4 and 29 more transcripts); c.569_570insT, p.Lys190fs (NM_001407946.1, NM_001407947.1, NM_001407948.1 and 6 more transcripts); c.566_567insT, p.Lys189fs (NM_001407954.1, NM_001407955.1, NM_001407956.1 and 1 more transcripts); c.521_522insT, p.Lys174fs (NM_001407959.1, NM_001407960.1, NM_001407963.1); c.518_519insT, p.Lys173fs (NM_001407962.1); c.398_399insT, p.Lys133fs (NM_001407965.1); and 41 more; short protein forms K254fs, K301fs, K190fs, K213fs, K253fs, K260fs, K275fs, K173fs.
Identifiers: ClinVar variation 125477 (VCV000125477.3), dbSNP rs80357726, ClinGen allele CA003958.
Genomic context (GRCh38, chr17:43,094,628, plus strand): 5'-CCATCTGTTATGTTGGCTCCTTGCTAAGCCAGGCTGTTTGCTTTTATTACAGAATTCAGC[C>CA]TTTTCTACATTCATTCTGTCTTTAGTGAGTAATAAACTGCTGTTCTCATGCTGTAATGAG-3'

ClinVar aggregate classification (germline): Pathogenic. Review status: reviewed by expert panel (3 of 4 stars). 2 submissions from 2 submitters: Pathogenic (1). 1 of the submissions does not count toward it. Last evaluated 2016-09-08.

Conditions:
Breast-ovarian cancer, familial, susceptibility to, 1 (BROVCA1). Also called: BRCA1 Hereditary Breast and Ovarian Cancer; OVARIAN CANCER, SUSCEPTIBILITY TO. Identifiers: Orphanet 145, MedGen C2676676, MONDO:0011450, OMIM 604370. Disease mechanism: loss of function.

Submissions (2):

Evidence-based Network for the Interpretation of Germline Mutant Alleles (ENIGMA)
Classification: Pathogenic for Breast-ovarian cancer, familial, susceptibility to, 1. Last evaluated: 2016-09-08. Review status: reviewed by expert panel. Criteria: ENIGMA BRCA1/2 Classification Criteria (2015). Collection method: curation. Allele origin: germline.
Comment: Variant allele predicted to encode a truncated non-functional protein.

Breast Cancer Information Core (BIC) (BRCA1)
Classification: Pathogenic for Breast-ovarian cancer, familial 1. Last evaluated: 1999-06-22. Review status: no assertion criteria provided. Collection method: clinical testing. Allele origin: germline. Affected: yes. Observed: 5 variant alleles. Not counted in ClinVar's aggregate classification.